The following is an entry in ClinVar:

NM_001378120.1(MBD5):c.4009A>G (p.Ile1337Val)

Gene: MBD5 (methyl-CpG binding domain protein 5; plus strand). Cytogenetic location: 2q23.1.
Variant type: single nucleotide variant.
Coding change: c.4009A>G on transcript NM_001378120.1 (MANE Select); coding-DNA position 4009, A replaced by G.
Protein change: p.Ile1337Val; replaces isoleucine 1337 with valine.
Molecular consequence: missense variant.
Genome position (GRCh38, 1-based): chr2:148,489,641, A>G. VCF-style: chr2-148489641-A-G. GRCh37 (hg19) VCF-style: chr2-149247210-A-G.
Other names: p.I1104V:ATC>GTC; c.3310A>G, p.Ile1104Val (NM_018328.5); short protein forms I1104V, I1337V.
Identifiers: ClinVar variation 138178 (VCV000138178.18), dbSNP rs115940994, ClinGen allele CA292026.

ClinVar aggregate classification (germline): Benign/Likely benign. Review status: criteria provided, multiple submitters, no conflicts (2 of 4 stars). 7 submissions from 7 submitters: Benign (3); Likely benign (4). Last evaluated 2026-01-21.

Conditions:
Inborn genetic diseases. Identifiers: MedGen C0950123, MeSH D030342.
Intellectual developmental disorder, autosomal dominant 1. Also called: Intellectual disability, autosomal dominant 1; MBD5 Haploinsufficiency. Identifiers: Orphanet 228402, MedGen C1969562, MONDO:0007974, OMIM 156200.

Allele frequency attached by ClinVar (database versions not stated): gnomAD 0.00028 and 0.00037; gnomAD exomes 0.00034 and 0.00103; TOPMed 0.00053; ExAC 0.00098; 1000 Genomes Project 30x 0.00125; 1000 Genomes Project 0.00140.
gnomAD v4.1: 557 of 1,614,208 alleles (0.035%); highest among the groups gnomAD compares: East Asian, 1.2%; 1 homozygote.

Submissions (7):

Labcorp Genetics (formerly Invitae), Labcorp
Classification: Benign for Intellectual developmental disorder, autosomal dominant 1. Last evaluated: 2026-01-21. Review status: criteria provided, single submitter. Criteria: Invitae Variant Classification Sherloc (09022015). Collection method: clinical testing. Allele origin: germline.

ARUP Laboratories, Molecular Genetics and Genomics, ARUP Laboratories
Classification: Likely benign for Intellectual developmental disorder, autosomal dominant 1. Last evaluated: 2025-04-28. Review status: criteria provided, single submitter. Criteria: ARUP Molecular Germline Variant Investigation Process 2024. Collection method: clinical testing. Allele origin: germline.

Blueprint Genetics
Classification: Likely benign. Last evaluated: 2024-11-05. Review status: criteria provided, single submitter. Criteria: ACMG Guidelines, 2015. Collection method: clinical testing. Allele origin: germline.

Ambry Genetics
Classification: Benign for Inborn genetic diseases. Last evaluated: 2017-08-07. Review status: criteria provided, single submitter. Criteria: Ambry Variant Classification Scheme 2023. Collection method: clinical testing. Allele origin: germline.

Center for Pediatric Genomic Medicine, Children's Mercy Hospital and Clinics
Classification: Likely benign. Last evaluated: 2017-06-05. Review status: criteria provided, single submitter. Criteria: ACMG Guidelines, 2015. Collection method: clinical testing. Allele origin: germline.

GeneDx
Classification: Benign. Last evaluated: 2014-03-26. Review status: criteria provided, single submitter. Criteria: GeneDx Variant Classification (06012015). Collection method: clinical testing. Allele origin: germline. Affected: yes.
Comment: This variant is considered likely benign or benign based on one or more of the following criteria: it is a conservative change, it occurs at a poorly conserved position in the protein, it is predicted to be benign by multiple in silico algorithms, and/or has population frequency not consistent with disease.

Breakthrough Genomics
Classification: Likely benign. Review status: criteria provided, single submitter. Criteria: ACMG Guidelines, 2015. Collection method: not provided. Allele origin: germline. Inheritance: Autosomal dominant inheritance. Affected: yes.